The following is an entry in ClinVar:

ClinVar aggregate classification (germline): Uncertain significance (1 of 4 stars; one submission).

Conditions:
Familial intrahepatic cholestasis. Identifiers: Orphanet 284385, MedGen CN296401, MONDO:0017290.

Submission:

Genomenon, Inc
Classification: Uncertain significance for Familial intrahepatic cholestasis. Last evaluated: 2026-04-14. Review status: criteria provided, single submitter. Criteria: Genomenon Sequence Variant Interpretation Standards - Updated. Collection method: curation. Allele origin: germline. Affected: no.
Comment: ABCB11 p.Gln733Glu (c.2197C>G) is a missense variant that changes the amino acid at residue 733 from Glutamine to Glutamic acid. This variant has been reported in the published literature (PMID:37208429). It is absent or not present at a significant frequency in gnomAD. In silico models predict that this variant is not damaging. In conclusion, we classify ABCB11 p.Gln733Glu (c.2197C>G) as a variant of uncertain significance.

Literature cited by the submitters: PubMed 37208429.

NM_003742.4(ABCB11):c.2197C>G (p.Gln733Glu)

Gene: ABCB11 (ATP binding cassette subfamily B member 11; minus strand). Cytogenetic location: 2q31.1.
Variant type: single nucleotide variant.
Coding change: c.2197C>G on transcript NM_003742.4 (MANE Select); coding-DNA position 2197, C replaced by G.
Protein change: p.Gln733Glu; replaces glutamine 733 with glutamic acid.
Molecular consequence: missense variant.
Genome position (GRCh38, 1-based): chr2:168,958,110, G>C on the plus strand (C>G on the coding strand, the complement: ABCB11 is on the minus strand). VCF-style: chr2-168958110-G-C. GRCh37 (hg19) VCF-style: chr2-169814620-G-C.
Other names: short protein forms Q733E.
Identifiers: ClinVar variation 4846134 (VCV004846134.1).